The following is an entry in ClinVar:

NM_139027.6(ADAMTS13):c.649G>C (p.Asp217His)

Gene: ADAMTS13 (ADAM metallopeptidase with thrombospondin type 1 motif 13; plus strand). Cytogenetic location: 9q34.2.
Variant type: single nucleotide variant.
Coding change: c.649G>C on transcript NM_139027.6 (MANE Select); coding-DNA position 649, G replaced by C.
Protein change: p.Asp217His; replaces aspartic acid 217 with histidine.
Molecular consequence: missense variant. On other transcripts: non-coding transcript variant (1).
Genome position (GRCh38, 1-based): chr9:133,426,308, G>C. VCF-style: chr9-133426308-G-C. GRCh37 (hg19) VCF-style: chr9-136291428-G-C.
Other names: p.Asp217His; c.649G>C, p.Asp217His (NM_139025.5, NM_139026.6); short protein forms D217H.
Identifiers: ClinVar variation 3035677 (VCV003035677.7), dbSNP rs782305581, ClinGen allele CA375383871.
Genomic context (GRCh38, chr9:133,426,308, plus strand): 5'-CAGCTGGGCGGTGCCTGCTCCCCAACCTGGAGCTGCCTCATTACCGAGGACACTGGCTTC[G>C]ACCTGGGAGTCACCATTGCCCATGAGATTGGGCACAGGTATGTAGCCCCACCAGCTGTCC-3'
Protein context (NP_620596.2, residues 207-227): SCLITEDTGF[Asp217His]LGVTIAHEIG

ClinVar aggregate classification (germline): Conflicting classifications of pathogenicity. Review status: criteria provided, conflicting classifications (1 of 4 stars). 4 submissions from 4 submitters: Likely pathogenic (1); Uncertain significance (3). Last evaluated 2025-12-19.

Conditions:
ADAMTS13-related disorder. Also called: ADAMTS13-related condition.

gnomAD v4.1: 35 of 1,605,180 alleles (0.0022%); highest among the groups gnomAD compares: Non-Finnish European, 0.0029%; no homozygotes.

Submissions (4):

PreventionGenetics, part of Exact Sciences
Classification: Uncertain significance for ADAMTS13-related condition. Last evaluated: 2025-12-19. Review status: criteria provided, single submitter. Criteria: ACMG Guidelines, 2015. Collection method: clinical testing. Allele origin: germline.
Comment: The ADAMTS13 c.649G>C variant is predicted to result in the amino acid substitution p.Asp217His. This variant has ben reported with a second pathogenic variant in ADAMTS13 in a patient with thrombotic thrombocytopenic purpura (TTP), but phasing was not indicated (Patient 16 in Camilleri et al. 2012. PubMed ID: 22783805). Functional analysis showed that this variant had an ~24% reduction of activity when compared to wild type (Camilleri et al. 2012. PubMed ID: 22783805). Camilleri et al. also measured how this variant impacted ADAMTS13 secretion, but their results were not consistent between two different assays (Camilleri et al. 2012. PubMed ID: 22783805). This variant has been seen in a family with TTP and shown to be in cis with a pathogenic variant in ADAMTS13 (Subhan et al. 2022. PubMed ID: 36444480). This variant is reported in 0.0026% of alleles in individuals of European (non-Finnish) descent in gnomAD. At this time, the clinical significance of this variant is uncertain due to the absence of conclusive functional and genetic evidence.

Labcorp Genetics (formerly Invitae), Labcorp
Classification: Uncertain significance. Last evaluated: 2025-01-14. Review status: criteria provided, single submitter. Criteria: Invitae Variant Classification Sherloc (09022015). Collection method: clinical testing. Allele origin: germline.
Comment: This sequence change replaces aspartic acid, which is acidic and polar, with histidine, which is basic and polar, at codon 217 of the ADAMTS13 protein (p.Asp217His). This variant is present in population databases (no rsID available, gnomAD 0.003%). This missense change has been observed in individual(s) with congenital thrombotic thrombocytopenic purpura (PMID: 22783805, 36444480). ClinVar contains an entry for this variant (Variation ID: 3035677). Invitae Evidence Modeling of protein sequence and biophysical properties (such as structural, functional, and spatial information, amino acid conservation, physicochemical variation, residue mobility, and thermodynamic stability) indicates that this missense variant is expected to disrupt ADAMTS13 protein function with a positive predictive value of 80%. In summary, the available evidence is currently insufficient to determine the role of this variant in disease. Therefore, it has been classified as a Variant of Uncertain Significance.

Blueprint Genetics
Classification: Likely pathogenic for ADAMTS13-related disorders. Last evaluated: 2024-09-30. Review status: criteria provided, single submitter. Criteria: ACMG Guidelines, 2015. Collection method: clinical testing. Allele origin: germline. Affected: yes. Observed: 1 variant allele.

Mayo Clinic Laboratories, Mayo Clinic
Classification: Uncertain significance. Last evaluated: 2024-07-18. Review status: criteria provided, single submitter. Criteria: ACMG Guidelines, 2015. Collection method: clinical testing. Allele origin: germline. Observed: 1 variant allele.
Comment: PP3, PM2

Literature cited by the submitters: PubMed 22783805 (cited by Labcorp Genetics (formerly Invitae), Labcorp and Mayo Clinic Laboratories, Mayo Clinic); PubMed 36444480 (cited by Labcorp Genetics (formerly Invitae), Labcorp and Mayo Clinic Laboratories, Mayo Clinic); PubMed 23346910 (cited by Mayo Clinic Laboratories, Mayo Clinic); PubMed 30475428 (cited by Mayo Clinic Laboratories, Mayo Clinic); PubMed 34789164 (cited by Mayo Clinic Laboratories, Mayo Clinic); PubMed 37647632 (cited by Mayo Clinic Laboratories, Mayo Clinic).